The following is an entry in ClinVar:

NM_001830.4(CLCN4):c.515G>A (p.Arg172His)

Gene: CLCN4 (chloride voltage-gated channel 4; plus strand). Cytogenetic location: Xp22.2.
Variant type: single nucleotide variant.
Coding change: c.515G>A on transcript NM_001830.4 (MANE Select); coding-DNA position 515, G replaced by A.
Protein change: p.Arg172His; replaces arginine 172 with histidine.
Molecular consequence: missense variant.
Genome position (GRCh38, 1-based): chrX:10,198,021, G>A. VCF-style: chrX-10198021-G-A. GRCh37 (hg19) VCF-style: chrX-10166061-G-A.
Other names: c.233G>A, p.Arg78His (NM_001256944.2); short protein forms R172H, R78H.
Identifiers: ClinVar variation 1312543 (VCV001312543.2), dbSNP rs934129190, ClinGen allele CA326600127.

ClinVar aggregate classification (germline): Uncertain significance (1 of 4 stars; one submission).

Allele frequency attached by ClinVar (database versions not stated): gnomAD exomes below 0.00001; TOPMed below 0.00001.
gnomAD v4.1: 1 of 1,209,091 alleles (0.000083%); highest among the groups gnomAD compares: Non-Finnish European, 0.00011%; no homozygotes.

Submission:

GeneDx
Classification: Uncertain significance. Last evaluated: 2020-11-02. Review status: criteria provided, single submitter. Criteria: GeneDx Variant Classification Process June 2021. Collection method: clinical testing. Allele origin: germline. Affected: yes.
Comment: Not observed in large population cohorts (Lek et al., 2016); In silico analysis supports that this missense variant has a deleterious effect on protein structure/function; Has not been previously published as pathogenic or benign to our knowledge